The following is an entry in ClinVar:

ClinVar aggregate classification (germline): Benign/Likely benign. Review status: criteria provided, multiple submitters, no conflicts (2 of 4 stars). 5 submissions from 5 submitters: Benign (1); Likely benign (4). Last evaluated 2025-12-21.

Conditions:
Inborn genetic diseases. Identifiers: MedGen C0950123, MeSH D030342.
Developmental and epileptic encephalopathy 94 (DEE94). Also called: Epileptic encephalopathy, childhood-onset; CHD2-Related Neurodevelopmental Disorders. Identifiers: Orphanet 1942, Orphanet 2382, MedGen C3809278, MONDO:0014150, OMIM 615369.

Allele frequency attached by ClinVar (database versions not stated): ExAC 0.00001; gnomAD 0.00019 and 0.00021; TOPMed 0.00027.
gnomAD v4.1: 68 of 1,614,208 alleles (0.0042%); highest among the groups gnomAD compares: African/African-American, 0.044%; no homozygotes.

Submissions (5):

Labcorp Genetics (formerly Invitae), Labcorp
Classification: Likely benign for Developmental and epileptic encephalopathy 94. Last evaluated: 2025-12-21. Review status: criteria provided, single submitter. Criteria: Invitae Variant Classification Sherloc (09022015). Collection method: clinical testing. Allele origin: germline.

Blueprint Genetics
Classification: Likely benign. Last evaluated: 2023-11-20. Review status: criteria provided, single submitter. Criteria: ACMG Guidelines, 2015. Collection method: clinical testing. Allele origin: germline.

CeGaT Center for Human Genetics Tuebingen
Classification: Likely benign. Last evaluated: 2023-10-01. Review status: criteria provided, single submitter. Criteria: CeGaT Center For Human Genetics Tuebingen Variant Classification Criteria Version 2. Collection method: clinical testing. Allele origin: germline. Affected: yes. Observed: 1 variant allele.
Comment: CHD2: BS2

GeneDx
Classification: Likely benign. Last evaluated: 2020-04-21. Review status: criteria provided, single submitter. Criteria: GeneDx Variant Classification Process June 2021. Collection method: clinical testing. Allele origin: germline. Affected: yes.

Ambry Genetics
Classification: Benign for Inborn genetic diseases. Last evaluated: 2020-04-10. Review status: criteria provided, single submitter. Criteria: Ambry Variant Classification Scheme 2023. Collection method: clinical testing. Allele origin: germline.

NM_001271.4(CHD2):c.4483G>A (p.Val1495Met)

Gene: CHD2 (chromodomain helicase DNA binding protein 2; plus strand). Cytogenetic location: 15q26.1.
Variant type: single nucleotide variant.
Coding change: c.4483G>A on transcript NM_001271.4 (MANE Select); coding-DNA position 4483, G replaced by A.
Protein change: p.Val1495Met; replaces valine 1495 with methionine.
Molecular consequence: missense variant.
Genome position (GRCh38, 1-based): chr15:93,009,214, G>A. VCF-style: chr15-93009214-G-A. GRCh37 (hg19) VCF-style: chr15-93552444-G-A.
Other names: short protein forms V1495M.
Identifiers: ClinVar variation 411857 (VCV000411857.41), dbSNP rs770993927, ClinGen allele CA7748483.